The following is an entry in ClinVar:

ClinVar aggregate classification (germline): Likely benign (1 of 4 stars; one submission).

gnomAD v4.1: 1 of 1,609,648 alleles (0.000062%); highest among the groups gnomAD compares: Non-Finnish European, 0.000085%; no homozygotes.

Submission:

Molecular Diagnostic Laboratory for Inherited Cardiovascular Disease, Montreal Heart Institute
Classification: Likely benign. Last evaluated: 2025-04-09. Review status: criteria provided, single submitter. Criteria: ACMG Guidelines, 2015. Collection method: clinical testing. Allele origin: germline. Affected: no.
Comment: BP5;BP7

NM_001267550.2(TTN):c.99799A>G (p.Lys33267Glu)

Genes: TTN (titin; minus strand), TTN-AS1 (TTN antisense RNA 1; plus strand), LOC126806420 (BRD4-independent group 4 enhancer GRCh37_chr2:179401104-179402303; plus strand). Cytogenetic location: 2q31.2.
Variant type: single nucleotide variant.
Coding change: c.99799A>G on transcript NM_001267550.2 (MANE Select); coding-DNA position 99799, A replaced by G.
Protein change: p.Lys33267Glu; replaces lysine 33267 with glutamic acid.
Molecular consequence: missense variant. On other transcripts: non-coding transcript variant (1).
Genome position (GRCh38, 1-based): chr2:178,537,408, T>C on the plus strand (A>G on the coding strand, the complement: TTN is on the minus strand). VCF-style: chr2-178537408-T-C. GRCh37 (hg19) VCF-style: chr2-179402135-T-C.
Other names: c.94876A>G, p.Lys31626Glu (NM_001256850.1); c.72604A>G, p.Lys24202Glu (NM_003319.4); c.92095A>G, p.Lys30699Glu (NM_133378.4); c.72979A>G, p.Lys24327Glu (NM_133432.3); c.73180A>G, p.Lys24394Glu (NM_133437.4); short protein forms K24202E, K24327E, K24394E, K30699E, K31626E, K33267E.
Identifiers: ClinVar variation 3895284 (VCV003895284.1).